The following is an entry in ClinVar:

ClinVar aggregate classification (germline): Pathogenic. Review status: reviewed by expert panel (3 of 4 stars). 7 submissions from 7 submitters: Pathogenic (1). 6 of the submissions do not count toward it. Last evaluated 2016-09-08.

Conditions:
Familial cancer of breast. Also called: Hereditary breast cancer; hereditary breast carcinoma; BREAST CANCER, FAMILIAL. Identifiers: Orphanet 227535, MedGen C0346153, MONDO:0016419, OMIM 114480. Disease mechanism: loss of function.
Breast-ovarian cancer, familial, susceptibility to, 1 (BROVCA1). Also called: BRCA1 Hereditary Breast and Ovarian Cancer; OVARIAN CANCER, SUSCEPTIBILITY TO. Identifiers: Orphanet 145, MedGen C2676676, MONDO:0011450, OMIM 604370. Disease mechanism: loss of function.
Fanconi anemia, complementation group S (FANCS). Identifiers: MedGen C4554406, MONDO:0054748, OMIM 617883.
Hereditary cancer-predisposing syndrome. Also called: Tumor predisposition; Hereditary neoplastic syndrome; Hereditary Cancer Syndrome; Neoplastic Syndromes, Hereditary. Identifiers: Orphanet 140162, MedGen C0027672, MeSH D009386, MONDO:0015356.
Hereditary breast ovarian cancer syndrome. Also called: Hereditary breast and/or ovarian cancer syndrome; Breast and ovarian cancer; Hereditary breast and ovarian cancer syndrome; Hereditary breast and ovarian cancer; Hereditary breast and ovarian cancer syndrome (HBOC); BRCA1- and BRCA2-Associated Hereditary Breast and Ovarian Cancer. Identifiers: Orphanet 145, MedGen C0677776, MeSH D061325, MONDO:0003582. Disease mechanism: loss of function.

Submissions (7):

Evidence-based Network for the Interpretation of Germline Mutant Alleles (ENIGMA)
Classification: Pathogenic for Breast-ovarian cancer, familial, susceptibility to, 1. Last evaluated: 2016-09-08. Review status: reviewed by expert panel. Criteria: ENIGMA BRCA1/2 Classification Criteria (2015). Collection method: curation. Allele origin: germline.
Comment: Variant allele predicted to encode a truncated non-functional protein.

Labcorp Genetics (formerly Invitae), Labcorp
Classification: Pathogenic for Hereditary breast ovarian cancer syndrome. Last evaluated: 2020-12-31. Review status: criteria provided, single submitter. Criteria: Invitae Variant Classification Sherloc (09022015). Collection method: clinical testing. Allele origin: germline. Not counted in ClinVar's aggregate classification.
Comment: For these reasons, this variant has been classified as Pathogenic. This variant has not been reported in the literature in individuals with BRCA1-related conditions. ClinVar contains an entry for this variant (Variation ID: 141260). This variant is not present in population databases (ExAC no frequency). This sequence change creates a premature translational stop signal (p.Asn1468Ilefs*37) in the BRCA1 gene. It is expected to result in an absent or disrupted protein product. Loss-of-function variants in BRCA1 are known to be pathogenic (PMID: 20104584).

Ambry Genetics
Classification: Pathogenic for Hereditary cancer-predisposing syndrome. Last evaluated: 2020-11-16. Review status: criteria provided, single submitter. Criteria: Ambry Variant Classification Scheme 2023. Collection method: clinical testing. Allele origin: germline. Not counted in ClinVar's aggregate classification.
Comment: The c.4401delG pathogenic mutation, located in coding exon 12 of the BRCA1 gene, results from a deletion of one nucleotide at nucleotide position 4401, causing a translational frameshift with a predicted alternate stop codon (p.N1468Ifs*37). This alteration is expected to result in loss of function by premature protein truncation or nonsense-mediated mRNA decay. As such, this alteration is interpreted as a disease-causing mutation.

Department of Pathology and Laboratory Medicine, Sinai Health System
Classification: Pathogenic for Familial cancer of breast; Breast-ovarian cancer, familial, susceptibility to, 1; Fanconi anemia, complementation group S. Last evaluated: 2020-01-07. Review status: criteria provided, single submitter. Criteria: ACMG Guidelines, 2015. Collection method: clinical testing. Allele origin: germline. Affected: no. Not counted in ClinVar's aggregate classification.

Quest Diagnostics Nichols Institute San Juan Capistrano
Classification: Pathogenic for Breast-ovarian cancer, familial, susceptibility to, 1. Last evaluated: 2015-10-07. Review status: criteria provided, single submitter. Criteria: Quest Diagnostics criteria. Collection method: clinical testing. Allele origin: germline. Inheritance: Autosomal dominant inheritance. Not counted in ClinVar's aggregate classification.

Consortium of Investigators of Modifiers of BRCA1/2 (CIMBA), c/o University of Cambridge
Classification: Pathogenic for Breast-ovarian cancer, familial, susceptibility to, 1. Last evaluated: 2015-10-02. Review status: criteria provided, single submitter. Criteria: CIMBA Mutation Classification guidelines May 2016. Collection method: clinical testing. Allele origin: germline. Not counted in ClinVar's aggregate classification.

Research Molecular Genetics Laboratory, Women's College Hospital, University of Toronto
Classification: Pathogenic for Hereditary breast ovarian cancer syndrome. Last evaluated: 2014-01-31. Review status: no assertion criteria provided. Collection method: research. Allele origin: germline. Affected: yes. Study: The Canadian Open Genetics Repository (COGR). Not counted in ClinVar's aggregate classification.

Literature cited by the submitters: PubMed 20104584 (cited by Labcorp Genetics (formerly Invitae), Labcorp); PubMed 26295337 (cited by Quest Diagnostics Nichols Institute San Juan Capistrano).

NM_007294.4(BRCA1):c.4401del (p.Asn1468fs)

Gene: BRCA1 (BRCA1 DNA repair associated; minus strand). Cytogenetic location: 17q21.31.
Variant type: Deletion.
Coding change: c.4401del on transcript NM_007294.4 (MANE Select); coding-DNA position 4401, one base deleted (G; older notation c.4401delG).
Protein change: p.Asn1468fs; shifts the reading frame from asparagine 1468.
Molecular consequence: frameshift variant. On other transcripts: non-coding transcript variant (1).
Genome position (GRCh38, 1-based): chr17:43,076,571, C deleted on the plus strand (G on the coding strand, the reverse complement: BRCA1 is on the minus strand). VCF-style (leftmost placement, unchanged base first): chr17-43076570-TC-T. GRCh37 (hg19) VCF-style: chr17-41228587-TC-T.
Other names: c.4401delG, p.Asn1468Ilefs (NM_001407596.1, NM_001407597.1, NM_001407598.1 and 8 more transcripts); c.4398delG, p.Asn1467Ilefs (NM_001407610.1, NM_001407611.1, NM_001407612.1 and 17 more transcripts); c.4395delG, p.Asn1466Ilefs (NM_001407627.1, NM_001407628.1, NM_001407629.1 and 14 more transcripts); c.4392delG, p.Asn1465Ilefs (NM_001407644.1, NM_001407645.1); c.4389delG, p.Asn1464Ilefs (NM_001407646.1); c.4386delG, p.Asn1463Ilefs (NM_001407647.1); c.4344delG, p.Asn1449Ilefs (NM_001407648.1); c.4341delG, p.Asn1448Ilefs (NM_001407649.1); and 71 more; short protein forms N1421fs, N364fs, N1468fs, N1489fs.
Identifiers: ClinVar variation 141260 (VCV000141260.17), dbSNP rs587781611, ClinGen allele CA002824.
Genomic context (GRCh38, chr17:43,076,570, plus strand): 5'-TTTTACTGGTAGAACTATCTGCAGACACCTCAAACTTGTCAGCAGAAAGGCCTTCTGGAT[TC>T]TGGCTTATAGGGTATTCACTACTTTTCTGTGAAGTTAATACTGCTTTAAATGGAATGAGA-3'